The following is an entry in ClinVar:

ClinVar aggregate classification (germline): Pathogenic (1 of 4 stars; one submission).

Conditions:
Hereditary spherocytosis type 2. Also called: SPHEROCYTOSIS, TYPE 2, AUTOSOMAL DOMINANT. Identifiers: Orphanet 822, MedGen C2674219, MONDO:0000913, OMIM 616649.

Submission:

Johns Hopkins Genomics, Johns Hopkins University
Classification: Pathogenic for Hereditary spherocytosis type 2. Last evaluated: 2025-07-30. Review status: criteria provided, single submitter. Criteria: ACMG Guidelines, 2015. Collection method: clinical testing. Allele origin: germline.
Comment: This variant is classified as pathogenic (PS2, PS4, PM2, PP5).

Literature cited by the submitters: PubMed 14526392; PubMed 18414210; PubMed 18707033; PubMed 19254783; PubMed 25217958.

NM_001379200.1:c.(?_-130)_(1488_?)dup

Gene: TBX1 (T-box transcription factor 1; plus strand).
Variant type: Duplication.
Other names: c.(?_-130)_(1488_?)dup (NM_001379200.1).
Identifiers: ClinVar variation 4280099 (VCV004280099.1).